The following is an entry in ClinVar:

ClinVar aggregate classification (germline): Uncertain significance (1 of 4 stars; one submission).

Submission:

Ambry Genetics
Classification: Uncertain significance. Last evaluated: 2024-05-26. Review status: criteria provided, single submitter. Criteria: Ambry Variant Classification Scheme 2023. Collection method: clinical testing. Allele origin: germline.
Comment: The p.D163G variant (also known as c.488A>G), located in coding exon 1 of the MLH3 gene, results from an A to G substitution at nucleotide position 488. The aspartic acid at codon 163 is replaced by glycine, an amino acid with similar properties. This amino acid position is conserved. In addition, the in silico prediction for this alteration is inconclusive. Based on the available evidence, the clinical significance of this variant remains unclear.

NM_001040108.2(MLH3):c.488A>G (p.Asp163Gly)

Gene: MLH3 (mutL homolog 3; minus strand). Cytogenetic location: 14q24.3.
Variant type: single nucleotide variant.
Coding change: c.488A>G on transcript NM_001040108.2 (MANE Select); coding-DNA position 488, A replaced by G.
Protein change: p.Asp163Gly; replaces aspartic acid 163 with glycine.
Molecular consequence: missense variant.
Genome position (GRCh38, 1-based): chr14:75,049,168, T>C on the plus strand (A>G on the coding strand, the complement: MLH3 is on the minus strand). VCF-style: chr14-75049168-T-C. GRCh37 (hg19) VCF-style: chr14-75515871-T-C.
Other names: c.488A>G, p.Asp163Gly (NM_014381.3); short protein forms D163G.
Identifiers: ClinVar variation 3295154 (VCV003295154.1).
Genomic context (GRCh38, chr14:75,049,168, plus strand): 5'-GGGTGCATGAGTGAGAGAGCTTCTATTCTCTGCCTAACCTTCTCAAACTCCAGTCTAGGG[T>C]CCATGCATTTCCTCCTTACAGGAAGCTGGTAAAATAGGTTATACACTGTTACAGTAGTCC-3'
Protein context (NP_001035197.1, residues 153-173): YQLPVRRKCM[Asp163Gly]PRLEFEKVRQ